The following is an entry in ClinVar:

NM_001278064.2(GRM1):c.92G>A (p.Gly31Glu)

Gene: GRM1 (glutamate metabotropic receptor 1; plus strand). Cytogenetic location: 6q24.3.
Variant type: single nucleotide variant.
Coding change: c.92G>A on transcript NM_001278064.2 (MANE Select); coding-DNA position 92, G replaced by A.
Protein change: p.Gly31Glu; replaces glycine 31 with glutamic acid.
Molecular consequence: missense variant.
Genome position (GRCh38, 1-based): chr6:146,029,609, G>A. VCF-style: chr6-146029609-G-A. GRCh37 (hg19) VCF-style: chr6-146350745-G-A.
Other names: c.92G>A, p.Gly31Glu (NM_001278065.2, NM_001278066.1, NM_001278067.1); short protein forms G31E.
Identifiers: ClinVar variation 4759940 (VCV004759940.1).

ClinVar aggregate classification (germline): Uncertain significance (1 of 4 stars; one submission).

gnomAD v4.1: 4 of 1,614,114 alleles (0.00025%); highest among the groups gnomAD compares: East Asian, 0.0022%; no homozygotes.

Submission:

Labcorp Genetics (formerly Invitae), Labcorp
Classification: Uncertain significance. Last evaluated: 2025-02-23. Review status: criteria provided, single submitter. Criteria: Invitae Variant Classification Sherloc (09022015). Collection method: clinical testing. Allele origin: germline.
Comment: This sequence change replaces glycine, which is neutral and non-polar, with glutamic acid, which is acidic and polar, at codon 31 of the GRM1 protein (p.Gly31Glu). This variant is present in population databases (rs558777976, gnomAD 0.006%). This variant has not been reported in the literature in individuals affected with GRM1-related conditions. An algorithm developed to predict the effect of missense changes on protein structure and function outputs the following: PolyPhen-2: "Benign". The glutamic acid amino acid residue is found in multiple mammalian species, which suggests that this missense change does not adversely affect protein function. In summary, the available evidence is currently insufficient to determine the role of this variant in disease. Therefore, it has been classified as a Variant of Uncertain Significance.